The following is an entry in ClinVar:

NM_001197104.2(KMT2A):c.9348T>A (p.Ser3116Arg)

Gene: KMT2A (lysine methyltransferase 2A; plus strand). Cytogenetic location: 11q23.3.
Variant type: single nucleotide variant.
Coding change: c.9348T>A on transcript NM_001197104.2 (MANE Select); coding-DNA position 9348, T replaced by A.
Protein change: p.Ser3116Arg; replaces serine 3116 with arginine.
Molecular consequence: missense variant.
Genome position (GRCh38, 1-based): chr11:118,505,240, T>A. VCF-style: chr11-118505240-T-A. GRCh37 (hg19) VCF-style: chr11-118375955-T-A.
Other names: c.9438T>A, p.Ser3146Arg (NM_001412597.1); c.9339T>A, p.Ser3113Arg (NM_005933.4); short protein forms S3113R, S3116R, S3146R.
Identifiers: ClinVar variation 3634350 (VCV003634350.2).

ClinVar aggregate classification (germline): Uncertain significance (1 of 4 stars; one submission).

Submission:

Labcorp Genetics (formerly Invitae), Labcorp
Classification: Uncertain significance. Last evaluated: 2024-08-06. Review status: criteria provided, single submitter. Criteria: Invitae Variant Classification Sherloc (09022015). Collection method: clinical testing. Allele origin: germline.
Comment: This sequence change replaces serine, which is neutral and polar, with arginine, which is basic and polar, at codon 3116 of the KMT2A protein (p.Ser3116Arg). This variant is not present in population databases (gnomAD no frequency). This variant has not been reported in the literature in individuals affected with KMT2A-related conditions. Advanced modeling of protein sequence and biophysical properties (such as structural, functional, and spatial information, amino acid conservation, physicochemical variation, residue mobility, and thermodynamic stability) performed at Invitae indicates that this missense variant is not expected to disrupt KMT2A protein function with a negative predictive value of 95%. In summary, the available evidence is currently insufficient to determine the role of this variant in disease. Therefore, it has been classified as a Variant of Uncertain Significance.